The following is an entry in ClinVar:

NM_001134363.3(RBM20):c.109G>C (p.Gly37Arg)

Gene: RBM20 (RNA binding motif protein 20; plus strand). Cytogenetic location: 10q25.2.
Variant type: single nucleotide variant.
Coding change: c.109G>C on transcript NM_001134363.3 (MANE Select); coding-DNA position 109, G replaced by C.
Protein change: p.Gly37Arg; replaces glycine 37 with arginine.
Molecular consequence: missense variant.
Genome position (GRCh38, 1-based): chr10:110,644,563, G>C. VCF-style: chr10-110644563-G-C. GRCh37 (hg19) VCF-style: chr10-112404321-G-C.
Other names: short protein forms G37R.
Identifiers: ClinVar variation 3667144 (VCV003667144.2).

ClinVar aggregate classification (germline): Uncertain significance (1 of 4 stars; one submission).

Conditions:
Dilated cardiomyopathy 1DD (CMD1DD). Identifiers: Orphanet 154, MedGen C2750995, MONDO:0013168, OMIM 613172.

gnomAD v4.1: 1 of 1,525,374 alleles (0.000066%); highest among the groups gnomAD compares: East Asian, 0.0026%; no homozygotes.

Submission:

Labcorp Genetics (formerly Invitae), Labcorp
Classification: Uncertain significance for Dilated cardiomyopathy 1DD. Last evaluated: 2024-06-06. Review status: criteria provided, single submitter. Criteria: Invitae Variant Classification Sherloc (09022015). Collection method: clinical testing. Allele origin: germline.
Comment: This sequence change replaces glycine, which is neutral and non-polar, with arginine, which is basic and polar, at codon 37 of the RBM20 protein (p.Gly37Arg). This variant is not present in population databases (gnomAD no frequency). This variant has not been reported in the literature in individuals affected with RBM20-related conditions. Advanced modeling of protein sequence and biophysical properties (such as structural, functional, and spatial information, amino acid conservation, physicochemical variation, residue mobility, and thermodynamic stability) performed at Invitae indicates that this missense variant is not expected to disrupt RBM20 protein function with a negative predictive value of 95%. In summary, the available evidence is currently insufficient to determine the role of this variant in disease. Therefore, it has been classified as a Variant of Uncertain Significance.